The following is an entry in ClinVar:

ClinVar aggregate classification (germline): Uncertain significance (1 of 4 stars; one submission).

Conditions:
Neuropathy, hereditary sensory and autonomic, type 1C. Also called: HSAN IC; HSN IC. Identifiers: Orphanet 36386, MedGen C3150896, MONDO:0013337, OMIM 613640.

Allele frequency attached by ClinVar (database versions not stated): gnomAD exomes below 0.00001.
gnomAD v4.1: 1 of 1,613,668 alleles (0.000062%); highest among the groups gnomAD compares: Non-Finnish European, 0.000085%; no homozygotes.

Submission:

Labcorp Genetics (formerly Invitae), Labcorp
Classification: Uncertain significance for Neuropathy, hereditary sensory and autonomic, type 1C. Last evaluated: 2020-01-23. Review status: criteria provided, single submitter. Criteria: Invitae Variant Classification Sherloc (09022015). Collection method: clinical testing. Allele origin: germline.
Comment: This variant has not been reported in the literature in individuals with SPTLC2-related conditions. Algorithms developed to predict the effect of missense changes on protein structure and function are either unavailable or do not agree on the potential impact of this missense change (SIFT: "Deleterious"; PolyPhen-2: "Probably Damaging"; Align-GVGD: "Class C0"). In summary, the available evidence is currently insufficient to determine the role of this variant in disease. Therefore, it has been classified as a Variant of Uncertain Significance. This variant is not present in population databases (ExAC no frequency). This sequence change replaces leucine with proline at codon 291 of the SPTLC2 protein (p.Leu291Pro). The leucine residue is moderately conserved and there is a moderate physicochemical difference between leucine and proline.

NM_004863.4(SPTLC2):c.872T>C (p.Leu291Pro)

Gene: SPTLC2 (serine palmitoyltransferase long chain base subunit 2; minus strand). Cytogenetic location: 14q24.3.
Variant type: single nucleotide variant.
Coding change: c.872T>C on transcript NM_004863.4 (MANE Select); coding-DNA position 872, T replaced by C.
Protein change: p.Leu291Pro; replaces leucine 291 with proline.
Molecular consequence: missense variant.
Genome position (GRCh38, 1-based): chr14:77,557,125, A>G on the plus strand (T>C on the coding strand, the complement: SPTLC2 is on the minus strand). VCF-style: chr14-77557125-A-G. GRCh37 (hg19) VCF-style: chr14-78023468-A-G.
Other names: short protein forms L291P.
Identifiers: ClinVar variation 1040735 (VCV001040735.9), dbSNP rs1374794040, ClinGen allele CA390709929.